The following is an entry in ClinVar:

ClinVar aggregate classification (germline): Likely benign. Review status: criteria provided, multiple submitters, no conflicts (2 of 4 stars). 2 submissions from 2 submitters: Likely benign (2). Last evaluated 2025-05-28.

Conditions:
ABCB4-related disorder. Also called: ABCB4-related disorders; ABCB4-related condition.

Allele frequency attached by ClinVar (database versions not stated): gnomAD exomes 0.00001; TOPMed 0.00002.
gnomAD v4.1: 11 of 1,614,146 alleles (0.00068%); highest among the groups gnomAD compares: East Asian, 0.011%; no homozygotes.

Submissions (2):

PreventionGenetics, part of Exact Sciences
Classification: Likely benign for ABCB4-related condition. Last evaluated: 2025-05-28. Review status: criteria provided, single submitter. Criteria: ACMG Guidelines, 2015. Collection method: clinical testing. Allele origin: germline.
Comment: This variant is classified as likely benign based on ACMG/AMP sequence variant interpretation guidelines (Richards et al. 2015 PMID: 25741868, with internal and published modifications).

Labcorp Genetics (formerly Invitae), Labcorp
Classification: Likely benign. Last evaluated: 2023-11-14. Review status: criteria provided, single submitter. Criteria: Invitae Variant Classification Sherloc (09022015). Collection method: clinical testing. Allele origin: germline.

NM_000443.4(ABCB4):c.1680G>A (p.Thr560=)

Gene: ABCB4 (ATP binding cassette subfamily B member 4; minus strand). Cytogenetic location: 7q21.12.
Variant type: single nucleotide variant.
Coding change: c.1680G>A on transcript NM_000443.4 (MANE Select); coding-DNA position 1680, G replaced by A.
Protein change: p.Thr560=; no amino-acid change (threonine 560 retained).
Molecular consequence: synonymous variant.
Genome position (GRCh38, 1-based): chr7:87,439,718, C>T on the plus strand (G>A on the coding strand, the complement: ABCB4 is on the minus strand). VCF-style: chr7-87439718-C-T. GRCh37 (hg19) VCF-style: chr7-87069034-C-T.
Other names: c.1680G>A, p.Thr560= (NM_018849.3, NM_018850.3); c.1680G>A (NM_000443.3).
Identifiers: ClinVar variation 2890261 (VCV002890261.4), dbSNP rs1256259988, ClinGen allele CA456348901.